The following is an entry in ClinVar:

NM_006767.4(LZTR1):c.1015G>A (p.Glu339Lys)

Gene: LZTR1 (leucine zipper like post translational regulator 1; plus strand). Cytogenetic location: 22q11.21.
Variant type: single nucleotide variant.
Coding change: c.1015G>A on transcript NM_006767.4 (MANE Select); coding-DNA position 1015, G replaced by A.
Protein change: p.Glu339Lys; replaces glutamic acid 339 with lysine.
Molecular consequence: missense variant.
Genome position (GRCh38, 1-based): chr22:20,992,235, G>A. VCF-style: chr22-20992235-G-A. GRCh37 (hg19) VCF-style: chr22-21346524-G-A.
Other names: short protein forms E339K.
Identifiers: ClinVar variation 3237999 (VCV003237999.2), dbSNP rs780578255.

ClinVar aggregate classification (germline): Uncertain significance. Review status: criteria provided, multiple submitters, no conflicts (2 of 4 stars). 2 submissions from 2 submitters: Uncertain significance (2). Last evaluated 2025-07-09.

Conditions:
Hereditary cancer-predisposing syndrome. Also called: Neoplastic Syndromes, Hereditary; Tumor predisposition; Hereditary neoplastic syndrome; Hereditary Cancer Syndrome. Identifiers: Orphanet 140162, MedGen C0027672, MeSH D009386, MONDO:0015356.
Cardiovascular phenotype. Identifiers: MedGen CN230736.

Allele frequency attached by ClinVar (database versions not stated): TOPMed below 0.00001; gnomAD 0.00001.
gnomAD v4.1: 3 of 1,613,586 alleles (0.00019%); highest among the groups gnomAD compares: Non-Finnish European, 0.00025%; no homozygotes.

Submissions (2):

Labcorp Genetics (formerly Invitae), Labcorp
Classification: Uncertain significance. Last evaluated: 2025-07-09. Review status: criteria provided, single submitter. Criteria: Invitae Variant Classification Sherloc (09022015). Collection method: clinical testing. Allele origin: germline.
Comment: This sequence change replaces glutamic acid, which is acidic and polar, with lysine, which is basic and polar, at codon 339 of the LZTR1 protein (p.Glu339Lys). This variant is present in population databases (no rsID available, gnomAD 0.007%). This variant has not been reported in the literature in individuals affected with LZTR1-related conditions. ClinVar contains an entry for this variant (Variation ID: 3237999). Invitae Evidence Modeling of protein sequence and biophysical properties (such as structural, functional, and spatial information, amino acid conservation, physicochemical variation, residue mobility, and thermodynamic stability) indicates that this missense variant is not expected to disrupt LZTR1 protein function with a negative predictive value of 80%. In summary, the available evidence is currently insufficient to determine the role of this variant in disease. Therefore, it has been classified as a Variant of Uncertain Significance.

Ambry Genetics
Classification: Uncertain significance for Cardiovascular phenotype; Hereditary cancer-predisposing syndrome. Last evaluated: 2023-07-26. Review status: criteria provided, single submitter. Criteria: Ambry Variant Classification Scheme 2023. Collection method: clinical testing. Allele origin: germline.
Comment: The p.E339K variant (also known as c.1015G>A), located in coding exon 10 of the LZTR1 gene, results from a G to A substitution at nucleotide position 1015. The glutamic acid at codon 339 is replaced by lysine, an amino acid with similar properties. This amino acid position is conserved. In addition, this alteration is predicted to be tolerated by in silico analysis. Since supporting evidence is limited at this time, the clinical significance of this alteration remains unclear.